The following is an entry in ClinVar:

ClinVar aggregate classification (germline): Uncertain significance (1 of 4 stars; one submission).

Conditions:
Inborn genetic diseases. Identifiers: MedGen C0950123, MeSH D030342.

Submission:

Ambry Genetics
Classification: Uncertain significance for Inborn genetic diseases. Last evaluated: 2026-02-17. Review status: criteria provided, single submitter. Criteria: Ambry Variant Classification Scheme 2023. Collection method: clinical testing. Allele origin: germline.
Comment: The p.K582R variant (also known as c.1745A>G), located in coding exon 12 of the BMPR2 gene, results from an A to G substitution at nucleotide position 1745. The lysine at codon 582 is replaced by arginine, an amino acid with highly similar properties. This amino acid position is conserved. In addition, this alteration is predicted to be tolerated by in silico analysis. Based on the available evidence, the clinical significance of this variant remains unclear.

NM_001204.7(BMPR2):c.1745A>G (p.Lys582Arg)

Gene: BMPR2 (bone morphogenetic protein receptor type 2; plus strand). Cytogenetic location: 2q33.2.
Variant type: single nucleotide variant.
Coding change: c.1745A>G on transcript NM_001204.7 (MANE Select); coding-DNA position 1745, A replaced by G.
Protein change: p.Lys582Arg; replaces lysine 582 with arginine.
Molecular consequence: missense variant.
Genome position (GRCh38, 1-based): chr2:202,555,410, A>G. VCF-style: chr2-202555410-A-G. GRCh37 (hg19) VCF-style: chr2-203420133-A-G.
Other names: short protein forms K582R.
Identifiers: ClinVar variation 4824927 (VCV004824927.1).